The following is an entry in ClinVar:

ClinVar aggregate classification (germline): Conflicting classifications of pathogenicity. Review status: criteria provided, conflicting classifications (1 of 4 stars). 2 submissions from 2 submitters: Uncertain significance (1); Likely benign (1). Last evaluated 2024-09-09.

Allele frequency attached by ClinVar (database versions not stated): gnomAD 0.00001; gnomAD exomes 0.00002; TOPMed 0.00003; ExAC 0.00004.

Submissions (2):

Blueprint Genetics
Classification: Likely benign. Last evaluated: 2024-09-09. Review status: criteria provided, single submitter. Criteria: ACMG Guidelines, 2015. Collection method: clinical testing. Allele origin: germline.

Labcorp Genetics (formerly Invitae), Labcorp
Classification: Uncertain significance. Last evaluated: 2022-01-17. Review status: criteria provided, single submitter. Criteria: Invitae Variant Classification Sherloc (09022015). Collection method: clinical testing. Allele origin: germline.
Comment: This sequence change replaces arginine, which is basic and polar, with tryptophan, which is neutral and slightly polar, at codon 186 of the PRPF31 protein (p.Arg186Trp). This variant is present in population databases (rs770546023, gnomAD 0.01%), including at least one homozygous and/or hemizygous individual. This variant has not been reported in the literature in individuals affected with PRPF31-related conditions. Algorithms developed to predict the effect of missense changes on protein structure and function are either unavailable or do not agree on the potential impact of this missense change (SIFT: "Deleterious"; PolyPhen-2: "Possibly Damaging"; Align-GVGD: "Class C15"). In summary, the available evidence is currently insufficient to determine the role of this variant in disease. Therefore, it has been classified as a Variant of Uncertain Significance.

NM_015629.4(PRPF31):c.556C>T (p.Arg186Trp)

Gene: PRPF31 (pre-mRNA processing factor 31; plus strand). Cytogenetic location: 19q13.42.
Variant type: single nucleotide variant.
Coding change: c.556C>T on transcript NM_015629.4 (MANE Select); coding-DNA position 556, C replaced by T.
Protein change: p.Arg186Trp; replaces arginine 186 with tryptophan.
Molecular consequence: missense variant.
Genome position (GRCh38, 1-based): chr19:54,123,777, C>T. VCF-style: chr19-54123777-C-T. GRCh37 (hg19) VCF-style: chr19-54627156-C-T.
Other names: short protein forms R186W.
Identifiers: ClinVar variation 1900771 (VCV001900771.6), dbSNP rs770546023, ClinGen allele CA309325120.